The following is an entry in ClinVar:

NM_000531.6(OTC):c.990A>G (p.Arg330=)

Gene: OTC (ornithine transcarbamylase; plus strand). Cytogenetic location: Xp11.4.
Variant type: single nucleotide variant.
Coding change: c.990A>G on transcript NM_000531.6 (MANE Select); coding-DNA position 990, A replaced by G.
Protein change: p.Arg330=; no amino-acid change (arginine 330 retained).
Molecular consequence: synonymous variant.
Genome position (GRCh38, 1-based): chrX:38,411,984, A>G. VCF-style: chrX-38411984-A-G. GRCh37 (hg19) VCF-style: chrX-38271237-A-G.
Other names: c.990A>G, p.Arg330= (NM_001407092.1).
Identifiers: ClinVar variation 1900094 (VCV001900094.6), dbSNP rs1353634119, ClinGen allele CA515642787.

ClinVar aggregate classification (germline): Likely benign. Review status: criteria provided, multiple submitters, no conflicts (2 of 4 stars). 3 submissions from 3 submitters: Likely benign (3). Last evaluated 2023-06-26.

Conditions:
Ornithine carbamoyltransferase deficiency (OTCD). Also called: ORNITHINE TRANSCARBAMYLASE DEFICIENCY; Ornithine Carbamoyltransferase Deficiency Disease; OTC DEFICIENCY; ORNITHINE TRANSCARBAMYLASE DEFICIENCY, HYPERAMMONEMIA DUE TO. Identifiers: Orphanet 664, MedGen C0268542, MONDO:0010703, OMIM 311250.

Allele frequency attached by ClinVar (database versions not stated): gnomAD exomes 0.00001.
gnomAD v4.1: 16 of 1,210,922 alleles (0.0013%); highest among the groups gnomAD compares: Non-Finnish European, 0.0017%; no homozygotes.

Submissions (3):

All of Us Research Program, National Institutes of Health
Classification: Likely benign for Ornithine carbamoyltransferase deficiency. Last evaluated: 2023-06-26. Review status: criteria provided, single submitter. Criteria: ACMG Guidelines, 2015. Collection method: clinical testing. Allele origin: germline. Inheritance: X-linked inheritance. Observed: 1 variant allele, 1 heterozygote.
Comment: This study involves interpretation of variants in research participants for the purpose of population health screening. Participant phenotype was not available at the time of variant classification. Additional details can be found in publication PMID: 35346344, PMCID: PMC8962531

Color Diagnostics, LLC DBA Color Health
Classification: Likely benign for Ornithine carbamoyltransferase deficiency. Last evaluated: 2023-06-14. Review status: criteria provided, single submitter. Criteria: ACMG Guidelines, 2015. Collection method: clinical testing. Allele origin: germline.

Labcorp Genetics (formerly Invitae), Labcorp
Classification: Likely benign for Ornithine carbamoyltransferase deficiency. Last evaluated: 2022-06-27. Review status: criteria provided, single submitter. Criteria: Invitae Variant Classification Sherloc (09022015). Collection method: clinical testing. Allele origin: germline.